The following is an entry in ClinVar:

ClinVar aggregate classification (germline): Pathogenic (1 of 4 stars; one submission).

Conditions:
Hereditary cancer-predisposing syndrome. Also called: Tumor predisposition; Hereditary Cancer Syndrome; Hereditary neoplastic syndrome; Neoplastic Syndromes, Hereditary. Identifiers: Orphanet 140162, MedGen C0027672, MeSH D009386, MONDO:0015356.

Submission:

Ambry Genetics
Classification: Pathogenic for Hereditary cancer-predisposing syndrome. Last evaluated: 2025-09-25. Review status: criteria provided, single submitter. Criteria: Ambry Variant Classification Scheme 2023. Collection method: clinical testing. Allele origin: germline.
Comment: The p.L499* pathogenic mutation (also known as c.1496T>A), located in coding exon 11 of the SDHA gene, results from a T to A substitution at nucleotide position 1496. This changes the amino acid from a leucine to a stop codon within coding exon 11. This variant is considered to be rare based on population cohorts in the Genome Aggregation Database (gnomAD). This alteration is expected to result in loss of function by premature protein truncation or nonsense-mediated mRNA decay. As such, this alteration is interpreted as a disease-causing mutation.

NM_004168.4(SDHA):c.1496T>A (p.Leu499Ter)

Gene: SDHA (succinate dehydrogenase complex flavoprotein subunit A; plus strand). Cytogenetic location: 5p15.33.
Variant type: single nucleotide variant.
Coding change: c.1496T>A on transcript NM_004168.4 (MANE Select); coding-DNA position 1496, T replaced by A.
Protein change: p.Leu499Ter; replaces leucine 499 with a stop codon.
Molecular consequence: nonsense.
Genome position (GRCh38, 1-based): chr5:240,421, T>A. VCF-style: chr5-240421-T-A. GRCh37 (hg19) VCF-style: chr5-240536-T-A.
Other names: c.1352T>A, p.Leu451Ter (NM_001294332.2); c.1496T>A, p.Leu499Ter (NM_001330758.2); short protein forms L451*, L499*.
Identifiers: ClinVar variation 4546667 (VCV004546667.1).